The following is an entry in ClinVar:

NM_024675.4(PALB2):c.784C>T (p.Leu262Phe)

Gene: PALB2 (partner and localizer of BRCA2; minus strand). Cytogenetic location: 16p12.2.
Variant type: single nucleotide variant.
Coding change: c.784C>T on transcript NM_024675.4 (MANE Select); coding-DNA position 784, C replaced by T.
Protein change: p.Leu262Phe; replaces leucine 262 with phenylalanine.
Molecular consequence: missense variant. On other transcripts: 5 prime UTR variant (8), intron variant (3).
Genome position (GRCh38, 1-based): chr16:23,635,762, G>A on the plus strand (C>T on the coding strand, the complement: PALB2 is on the minus strand). VCF-style: chr16-23635762-G-A. GRCh37 (hg19) VCF-style: chr16-23647083-G-A.
Other names: c.724C>T, p.Leu242Phe (NM_001407296.1); c.-102C>T (NM_001407310.1, NM_001407311.1, NM_001407304.1 and 5 more transcripts); c.48+5348C>T (NM_001407314.1); c.-104-5293C>T (NM_001407313.1, NM_001407312.1); c.784C>T, p.Leu262Phe (NM_001407297.1, NM_001407298.1, NM_001407299.1 and 3 more transcripts); short protein forms L262F, L242F.
Identifiers: ClinVar variation 5026186 (VCV005026186.1).

ClinVar aggregate classification (germline): Uncertain significance (1 of 4 stars; one submission).

Conditions:
Hereditary cancer-predisposing syndrome. Also called: Neoplastic Syndromes, Hereditary; Tumor predisposition; Hereditary neoplastic syndrome; Hereditary Cancer Syndrome. Identifiers: Orphanet 140162, MedGen C0027672, MeSH D009386, MONDO:0015356.

Submission:

Ambry Genetics
Classification: Uncertain significance for Hereditary cancer-predisposing syndrome. Last evaluated: 2026-08-08. Review status: criteria provided, single submitter. Criteria: Ambry Variant Classification Scheme 2023. Collection method: clinical testing. Allele origin: germline.
Comment: The p.L262F variant (also known as c.784C>T), located in coding exon 4 of the PALB2 gene, results from a C to T substitution at nucleotide position 784. The leucine at codon 262 is replaced by phenylalanine, an amino acid with highly similar properties. This amino acid position is conserved. In addition, this alteration is predicted to be tolerated by in silico analysis. Based on the available evidence, the clinical significance of this variant remains unclear.